The following is an entry in ClinVar:

ClinVar aggregate classification (germline): Uncertain significance (1 of 4 stars; one submission).

Conditions:
Cardiovascular phenotype. Identifiers: MedGen CN230736.

Submission:

Ambry Genetics
Classification: Uncertain significance for Cardiovascular phenotype. Last evaluated: 2023-10-16. Review status: criteria provided, single submitter. Criteria: Ambry Variant Classification Scheme 2023. Collection method: clinical testing. Allele origin: germline.
Comment: The c.1621_1622insL1 variant results from the insertion of an L1 element between nucleotides 1621 and 1622 in coding exon 9 of the TTN gene. This exon is located in the Z-disk region of the N2-B isoform of the titin protein and is constitutively expressed in TTN transcripts (percent spliced in or PSI 100%). Mobile element insertions contribute to pathogenicity by either disrupting the coding sequence or inducing aberrant splicing (Belancio VP et al. Semin. Cancer Biol. 2010 Aug;20:200-10; Deininger P et al. Genome Biol. 2011 Dec;12:236; van der Klift HM Hum Mutat. 2012 Jul;33(7):1051-5). One possible aberrant splice effect would be in-frame and, therefore, not expected to trigger nonsense-mediated mRNAdecay; however, direct evidence is unavailable. The exact functional effect of the altered amino acid sequence is unknown. Since supporting evidence is limited at this time, the clinical significance of this alteration remains unclear.

NM_003319.4:c.1621_1622insL1

Gene: TTN (titin; minus strand).
Variant type: Insertion.
Other names: c.1621_1622insL1 (NM_003319.4).
Identifiers: ClinVar variation 3223199 (VCV003223199.1).